The following is an entry in ClinVar:

ClinVar aggregate classification (germline): Uncertain significance (1 of 4 stars; one submission).

Submission:

GeneDx
Classification: Uncertain significance. Last evaluated: 2026-08-26. Review status: criteria provided, single submitter. Criteria: GeneDx Variant Classification Process June 2021. Collection method: clinical testing. Allele origin: germline.
Comment: Reported using an alternate transcript of the gene; In-frame deletion of 1 amino acid in a non-repeat region; Has not been previously published as pathogenic or benign to our knowledge; In silico analysis does not support a benign or deleterious effect of this variant on protein structure/function

NM_001382567.1(STIM1):c.1634+194_1634+196del

Gene: STIM1 (stromal interaction molecule 1; plus strand). Cytogenetic location: 11p15.4.
Variant type: Microsatellite.
Coding change: c.1634+194_1634+196del on transcript NM_001382567.1 (MANE Select); bases 194 to 196 of the intron after coding-DNA position 1634, 3 bases deleted (ACC; older notation c.1634+194_1634+196delACC).
Molecular consequence: intron variant.
Genome position (GRCh38, 1-based): chr11:4,086,737-4,086,739, ACC deleted; deleting any 3 consecutive bases within chr11:4,086,733-4,086,739 gives the same sequence; the c. name uses the placement nearest the transcript's 3' end. VCF-style (leftmost placement, unchanged base first): chr11-4086732-TCAC-T. GRCh37 (hg19) VCF-style: chr11-4107962-TCAC-T.
Other names: c.1732ACC[1], p.Thr579del (NM_001277961.3); c.1510ACC[1], p.Thr505del (NM_001382566.1); c.1319+194_1319+196del (NM_001382578.1, NM_001382575.1, NM_001382576.1 and 2 more transcripts); c.1052+194_1052+196del (NM_001382580.1, NM_001382581.1); c.1562+194_1562+196del (NM_001382568.1); c.1541+194_1541+196del (NM_001277962.2, NM_003156.4); c.1313+194_1313+196del (NM_001382570.1); c.1406+194_1406+196del (NM_001382569.1); and 1 more; short protein forms T505del, T579del.
Identifiers: ClinVar variation 3900222 (VCV003900222.2).